The following is an entry in ClinVar:

NM_030954.4(RNF170):c.595C>T (p.Arg199Cys)

Gene: RNF170 (ring finger protein 170; minus strand). Cytogenetic location: 8p11.21.
Variant type: single nucleotide variant.
Coding change: c.595C>T on transcript NM_030954.4 (MANE Select); coding-DNA position 595, C replaced by T.
Protein change: p.Arg199Cys; replaces arginine 199 with cysteine.
Molecular consequence: missense variant. On other transcripts: non-coding transcript variant (2), intron variant (1).
Genome position (GRCh38, 1-based): chr8:42,856,341, G>A on the plus strand (C>T on the coding strand, the complement: RNF170 is on the minus strand). VCF-style: chr8-42856341-G-A. GRCh37 (hg19) VCF-style: chr8-42711484-G-A.
Other names: c.595C>T, p.Arg199Cys (NM_001160223.2); c.343C>T, p.Arg115Cys (NM_001160225.2); c.397-5344C>T (NM_001160224.2); c.595C>T (NM_030954.3); short protein forms R199C, R115C.
Identifiers: ClinVar variation 31590 (VCV000031590.5), dbSNP rs397514478, ClinGen allele CA129827.

ClinVar aggregate classification (germline): Pathogenic. Review status: criteria provided, multiple submitters, no conflicts (2 of 4 stars). 5 submissions from 5 submitters: Pathogenic (4). 1 of the submissions does not count toward it. Last evaluated 2025-05-21.

Conditions:
RNF170-related disorder. Also called: RNF170-related condition.
Spastic paraplegia 85, autosomal recessive (SPG85). Identifiers: Orphanet 631082, MedGen C5562053, MONDO:0030512, OMIM 619686.
Autosomal dominant sensory ataxia 1. Identifiers: MedGen C1837015, MONDO:0012166, OMIM 608984.

Allele frequency attached by ClinVar (database versions not stated): gnomAD exomes below 0.00001.
gnomAD v4.1: 2 of 1,592,058 alleles (0.00013%); highest among the groups gnomAD compares: African/African-American, 0.0014%; no homozygotes.

Submissions (5):

Variantyx, Inc.
Classification: Pathogenic for Autosomal dominant sensory ataxia 1. Last evaluated: 2025-05-21. Review status: criteria provided, single submitter. Criteria: Variantyx Assertion Criteria 2022. Collection method: clinical testing. Allele origin: germline. Inheritance: Autosomal recessive inheritance. Affected: yes.
Comment: This is a nonsynonymous variant in the RNF170 gene (OMIM: 614649). Pathogenic variants in this gene have been associated with autosomal dominant sensory ataxia-1. This variant has been reported in at least 3 unrelated affected individuals (PMID: 32943585, 21115467) (PS4_Moderate). This variant has been observed to segregate with disease in at least 15 individuals from 2 families (PMID: 21115467) (PP1). Functional studies have shown that this variant alters RNF170 protein function (PMID: 25882839) (PS3_Moderate), and multiple computational algorithms predict a deleterious effect for this variant (REVEL score: 0.759) (PP3). This variant has a 0.0062% maximum allele frequency in non-founder control populations (PM2). Based on the current evidence, this variant is classified as pathogenic for autosomal dominant sensory ataxia-1.

Blueprint Genetics
Classification: Pathogenic for RNF170-related disorders. Last evaluated: 2024-07-12. Review status: criteria provided, single submitter. Criteria: ACMG Guidelines, 2015. Collection method: clinical testing. Allele origin: germline. Affected: yes. Observed: 2 variant alleles.

Victorian Clinical Genetics Services, Murdoch Childrens Research Institute
Classification: Pathogenic for Autosomal dominant sensory ataxia 1. Last evaluated: 2023-07-16. Review status: criteria provided, single submitter. Criteria: ACMG Guidelines, 2015. Collection method: clinical testing. Allele origin: germline. Inheritance: Autosomal dominant inheritance. Affected: yes.
Comment: Based on the classification scheme VCGS_Germline_v1.3.4, this variant is classified as Pathogenic. Following criteria are met: 0102 - Loss of function is a known mechanism of disease in this gene and is associated with autosomal recessive spastic paraplegia 85 (MIM#619686). The mechanism of autosomal dominant sensory ataxia 1 (MIM#608984) is unclear, but toxic gain of function has been suggested (PMID: 21115467, PMID: 31636353). (I) 0108 - This gene is associated with both recessive and dominant disease (OMIM). (I) 0200 - Variant is predicted to result in a missense amino acid change from arginine to cysteine. (I) 0251 - This variant is heterozygous. (I) 0302 - Variant is present in gnomAD (v2) <0.001 for a dominant condition (1 heterozygote, 0 homozygotes). (SP) 0309 - An alternative amino acid change at the same position has been observed in gnomAD (v2) (16 heterozygotes, 0 homozygotes). (I) 0501 - Missense variant consistently predicted to be damaging by multiple in silico tools or highly conserved with a major amino acid change. (SP) 0604 - Variant is not located in an established domain, motif, hotspot or informative constraint region. (I) 0802 - This variant has moderate previous evidence of pathogenicity in unrelated individuals. This variant has been reported in at least four unrelated families with sensory ataxia, with or without vestibular areflexia or pyramidal involvement (PMID: 21115467, PMID: 32943585, PMID: 34469621). (SP) 0901 - This variant has strong evidence for segregation with disease (PMID: 21115467, PMID: 32943585, PMID: 34469621). (SP) 1208 - Inheritance information for this variant is not currently available in this individual. (I) Legend: (SP) - Supporting pathogenic, (I) - Information, (SB) - Supporting benign

Women's Health and Genetics/Laboratory Corporation of America, LabCorp
Classification: Pathogenic for Spastic paraplegia 85, autosomal recessive. Last evaluated: 2023-03-20. Review status: criteria provided, single submitter. Criteria: LabCorp Variant Classification Summary - May 2015. Collection method: clinical testing. Allele origin: germline.
Comment: Variant summary: RNF170 c.595C>T (p.Arg199Cys) results in a non-conservative amino acid change in the encoded protein sequence. Four of five in-silico tools predict a damaging effect of the variant on protein function. The variant allele was found at a frequency of 4.4e-06 in 227970 control chromosomes (gnomAD). c.595C>T has been reported in the literature in multiple individuals affected with Autosomal dominant sensory ataxia and the variant segregated with the disease (example: Valdamins_2011 and Cortese_2020). These data indicate that the variant is very likely to be associated with disease. One submitter (OMIM) have provided clinical-significance assessments for this variant to ClinVar after 2014 and classified the variant as pathogenic. Based on the evidence outlined above, the variant was classified as pathogenic.

OMIM
Classification: Pathogenic for ATAXIA, SENSORY, 1, AUTOSOMAL DOMINANT. Last evaluated: 2015-05-29. Review status: no assertion criteria provided. Collection method: literature only. Allele origin: germline. Not counted in ClinVar's aggregate classification.

Literature cited by the submitters: PubMed 21115467 (cited by 4 submitters); PubMed 25882839 (cited by Variantyx, Inc. and OMIM); PubMed 32943585 (cited by 4 submitters); PubMed 31636353 (cited by Victorian Clinical Genetics Services, Murdoch Childrens Research Institute); PubMed 34469621 (cited by Victorian Clinical Genetics Services, Murdoch Childrens Research Institute); PubMed 17190954 (cited by OMIM).